The following is an entry in ClinVar:

NM_001397406.1(FDX2):c.201-23_201-13delinsCTTCT

Genes: FDX2 (ferredoxin 2; minus strand), FDX2-ZGLP1 (FDX2-ZGLP1 readthrough; minus strand). Cytogenetic location: 19p13.2.
Variant type: Indel.
Coding change: c.201-23_201-13delinsCTTCT on transcript NM_001397406.1 (MANE Select); 23 bases into the intron before coding-DNA position 201 through 13 bases into the intron before coding-DNA position 201, TTCGCACTTCC replaced by CTTCT.
Molecular consequence: intron variant. On other transcripts: non-coding transcript variant (1).
Genome position (GRCh38, 1-based): chr19:10,315,505-10,315,515, GGAAGTGCGAA replaced by AGAAG on the plus strand (TTCGCACTTCC replaced by CTTCT on the coding strand, the reverse complement: FDX2 is on the minus strand). VCF-style: chr19-10315505-GGAAGTGCGAA-AGAAG. GRCh37 (hg19) VCF-style: chr19-10426181-GGAAGTGCGAA-AGAAG.
Identifiers: ClinVar variation 420955 (VCV000420955.2), dbSNP rs1064794814, ClinGen allele CA16620723.

ClinVar aggregate classification (germline): Likely benign (1 of 4 stars; one submission).

Submission:

GeneDx
Classification: Likely benign. Last evaluated: 2016-04-13. Review status: criteria provided, single submitter. Criteria: GeneDx Variant Classification (06012015). Collection method: clinical testing. Allele origin: germline. Affected: yes.
Comment: This variant is considered likely benign or benign based on one or more of the following criteria: it is a conservative change, it occurs at a poorly conserved position in the protein, it is predicted to be benign by multiple in silico algorithms, and/or has population frequency not consistent with disease.